The following is an entry in ClinVar:

ClinVar aggregate classification (germline): Uncertain significance (1 of 4 stars; one submission).

Submission:

Quest Diagnostics Nichols Institute San Juan Capistrano
Classification: Uncertain significance. Last evaluated: 2022-10-18. Review status: criteria provided, single submitter. Criteria: Quest Diagnostics criteria. Collection method: clinical testing. Allele origin: unknown.
Comment: This variant has not been reported in the published literature. It also has not been reported in large, multi-ethnic general populations. Analysis of this variant using bioinformatics tools for the prediction of the effect of amino acid changes on protein structure and function yielded predictions that this variant is damaging. Based on the available information, we are unable to determine the clinical significance of this variant.

NM_002439.5(MSH3):c.2408G>C (p.Cys803Ser)

Gene: MSH3 (mutS homolog 3; plus strand). Cytogenetic location: 5q14.1.
Variant type: single nucleotide variant.
Coding change: c.2408G>C on transcript NM_002439.5 (MANE Select); coding-DNA position 2408, G replaced by C.
Protein change: p.Cys803Ser; replaces cysteine 803 with serine.
Molecular consequence: missense variant.
Genome position (GRCh38, 1-based): chr5:80,778,809, G>C. VCF-style: chr5-80778809-G-C. GRCh37 (hg19) VCF-style: chr5-80074628-G-C.
Other names: short protein forms C803S.
Identifiers: ClinVar variation 2682013 (VCV002682013.1), dbSNP rs2112007944, ClinGen allele CA360281880.